The following is an entry in ClinVar:

ClinVar aggregate classification (germline): Likely benign. Review status: criteria provided, single submitter (1 of 4 stars). 2 submissions from 2 submitters: Likely benign (1). 1 of the submissions does not count toward it. Last evaluated 2024-07-31.

Conditions:
FITM2-related disorder. Also called: FITM2-related condition.

Allele frequency attached by ClinVar (database versions not stated): TOPMed 0.00003; gnomAD 0.00017; gnomAD exomes 0.00033; ExAC 0.00074; 1000 Genomes Project 0.00120; 1000 Genomes Project 30x 0.00125.

Submissions (2):

Blueprint Genetics
Classification: Likely benign. Last evaluated: 2024-07-31. Review status: criteria provided, single submitter. Criteria: ACMG Guidelines, 2015. Collection method: clinical testing. Allele origin: germline.

PreventionGenetics, part of Exact Sciences
Classification: Likely benign for FITM2-related condition. Last evaluated: 2019-11-26. Review status: no assertion criteria provided. Collection method: clinical testing. Allele origin: germline. Not counted in ClinVar's aggregate classification.
Comment: This variant is classified as likely benign based on ACMG/AMP sequence variant interpretation guidelines (Richards et al. 2015 PMID: 25741868, with internal and published modifications).

NM_001080472.4(FITM2):c.750C>T (p.Ser250=)

Gene: FITM2 (fat storage inducing transmembrane protein 2; minus strand). Cytogenetic location: 20q13.12.
Variant type: single nucleotide variant.
Coding change: c.750C>T on transcript NM_001080472.4 (MANE Select); coding-DNA position 750, C replaced by T.
Protein change: p.Ser250=; no amino-acid change (serine 250 retained).
Molecular consequence: synonymous variant.
Genome position (GRCh38, 1-based): chr20:44,306,664, G>A on the plus strand (C>T on the coding strand, the complement: FITM2 is on the minus strand). VCF-style: chr20-44306664-G-A. GRCh37 (hg19) VCF-style: chr20-42935304-G-A.
Identifiers: ClinVar variation 3048469 (VCV003048469.3), dbSNP rs200607448, ClinGen allele CA9869538.